The following is an entry in ClinVar:

ClinVar aggregate classification (germline): Uncertain significance (1 of 4 stars; one submission).

Conditions:
LRRC45-related disorder. Also called: LRRC45-related condition.

gnomAD v4.1: 8 of 1,368,114 alleles (0.00058%); highest among the groups gnomAD compares: South Asian, 0.0019%; no homozygotes.

Submission:

PreventionGenetics, part of Exact Sciences
Classification: Uncertain significance for LRRC45-related condition. Last evaluated: 2026-04-28. Review status: criteria provided, single submitter. Criteria: ACMG Guidelines, 2015. Collection method: clinical testing. Allele origin: germline.
Comment: The LRRC45 c.2005C>G variant is predicted to result in the amino acid substitution p.Pro669Ala. To our knowledge, this variant has not been reported in the literature. This variant is reported in 0.0067% of alleles in individuals of South Asian descent in gnomAD. At this time, the clinical significance of this variant is uncertain due to the absence of conclusive functional and genetic evidence.

NM_144999.4(LRRC45):c.2005C>G (p.Pro669Ala)

Gene: LRRC45 (leucine rich repeat containing 45; plus strand). Cytogenetic location: 17q25.3.
Variant type: single nucleotide variant.
Coding change: c.2005C>G on transcript NM_144999.4 (MANE Select); coding-DNA position 2005, C replaced by G.
Protein change: p.Pro669Ala; replaces proline 669 with alanine.
Molecular consequence: missense variant.
Genome position (GRCh38, 1-based): chr17:82,030,797, C>G. VCF-style: chr17-82030797-C-G. GRCh37 (hg19) VCF-style: chr17-79988673-C-G.
Other names: short protein forms P669A.
Identifiers: ClinVar variation 4986310 (VCV004986310.1).